The following is an entry in ClinVar:

NM_006009.4(TUBA1A):c.473C>T (p.Ser158Leu)

Gene: TUBA1A (tubulin alpha 1a; minus strand). Cytogenetic location: 12q13.12.
Variant type: single nucleotide variant.
Coding change: c.473C>T on transcript NM_006009.4 (MANE Select); coding-DNA position 473, C replaced by T.
Protein change: p.Ser158Leu; replaces serine 158 with leucine.
Molecular consequence: missense variant.
Genome position (GRCh38, 1-based): chr12:49,185,893, G>A on the plus strand (C>T on the coding strand, the complement: TUBA1A is on the minus strand). VCF-style: chr12-49185893-G-A. GRCh37 (hg19) VCF-style: chr12-49579676-G-A.
Other names: c.473C>T, p.Ser158Leu (NM_001270399.2); c.368C>T, p.Ser123Leu (NM_001270400.2); short protein forms S158L, S123L.
Identifiers: ClinVar variation 625517 (VCV000625517.2), dbSNP rs1565627324, ClinGen allele CA384642375.
Genomic context (GRCh38, chr12:49,185,893, plus strand): 5'-GAAACCTGGGGCGCCGGGTAAATAGAGAACTCCAGCTTGGACTTCTTGCCATAATCAACT[G>A]AGAGACGTTCCATGAGCAGCGAGGTGAACCCAGAACCAGTTCCCCCACCAAAGCTGTGGA-3'
Protein context (NP_006000.2, residues 148-168): GFTSLLMERL[Ser158Leu]VDYGKKSKLE

ClinVar aggregate classification (germline): Pathogenic (1 of 4 stars; one submission).

Conditions:
Tubulinopathy. Also called: Tubulinopathies. Identifiers: MedGen CN850169, MONDO:0100153.

Submission:

Institute of Human Genetics, FAU Erlangen, Friedrich-Alexander-Universität Erlangen-Nürnberg
Classification: Pathogenic for Tubulinopathies. Last evaluated: 2018-07-01. Review status: criteria provided, single submitter. Criteria: ACMG Guidelines, 2015. Collection method: literature only. Allele origin: de novo. Affected: yes. Observed: 1 variant allele.
Comment: The c.473C>T, p.(Ser158Leu) variant has been reported as a variant of de novo origin. This variant and associated phenotype was previously reported by Bahi-Buisson et al. Brain, 2014 PMID: 24860126. Polymicrogyria (HP:0002126); Dysgenesis of the cerebellar vermis (HP:0002195); Cerebellar dysplasia (HP:0007033); Dysgenesis of the hippocampus (HP:0025101); Gray matter heterotopia (HP:0002281); no Congenital microcephaly (-HP:0011451)

Literature cited by the submitters: PubMed 30744660; DOI 10.1101/427948.